The following is an entry in ClinVar:

NM_173598.6(KSR2):c.2018G>A (p.Gly673Glu)

Gene: KSR2 (kinase suppressor of ras 2; minus strand). Cytogenetic location: 12q24.22.
Variant type: single nucleotide variant.
Coding change: c.2018G>A on transcript NM_173598.6 (MANE Select); coding-DNA position 2018, G replaced by A.
Protein change: p.Gly673Glu; replaces glycine 673 with glutamic acid.
Molecular consequence: missense variant.
Genome position (GRCh38, 1-based): chr12:117,525,053, C>T on the plus strand (G>A on the coding strand, the complement: KSR2 is on the minus strand). VCF-style: chr12-117525053-C-T. GRCh37 (hg19) VCF-style: chr12-117962858-C-T.
Other names: short protein forms G673E.
Identifiers: ClinVar variation 4998128 (VCV004998128.1).

ClinVar aggregate classification (germline): Uncertain significance (1 of 4 stars; one submission).

Conditions:
KSR2-related disorder. Also called: KSR2-related condition.

gnomAD v4.1: 1 of 1,614,012 alleles (0.000062%); highest among the groups gnomAD compares: African/African-American, 0.0013%; no homozygotes.

Submission:

PreventionGenetics, part of Exact Sciences
Classification: Uncertain significance for KSR2-related condition. Last evaluated: 2025-05-21. Review status: criteria provided, single submitter. Criteria: ACMG Guidelines, 2015. Collection method: clinical testing. Allele origin: germline.
Comment: The KSR2 c.1931G>A variant is predicted to result in the amino acid substitution p.Gly644Glu. To our knowledge, this variant has not been reported in the literature. This variant is reported in 0.0065% of alleles in individuals of African descent in gnomAD. At this time, the clinical significance of this variant is uncertain due to the absence of conclusive functional and genetic evidence.